The following is an entry in ClinVar:

ClinVar aggregate classification (germline): Uncertain significance. Review status: criteria provided, multiple submitters, no conflicts (2 of 4 stars). 2 submissions from 2 submitters: Uncertain significance (2). Last evaluated 2023-12-19.

Conditions:
Emery-Dreifuss muscular dystrophy 5, autosomal dominant (EDMD5). Also called: EMERY-DREIFUSS MUSCULAR DYSTROPHY 5. Identifiers: Orphanet 261, MedGen C2751805, MONDO:0013072, OMIM 612999.

Allele frequency attached by ClinVar (database versions not stated): ExAC 0.00002; gnomAD exomes 0.00002 and 0.00006; TOPMed 0.00004; gnomAD 0.00007; ESP Exome Variant Server 0.00015.
gnomAD v4.1: 100 of 1,614,092 alleles (0.0062%); highest among the groups gnomAD compares: Non-Finnish European, 0.0081%; no homozygotes.

Submissions (2):

Labcorp Genetics (formerly Invitae), Labcorp
Classification: Uncertain significance for Emery-Dreifuss muscular dystrophy 5, autosomal dominant. Last evaluated: 2023-12-19. Review status: criteria provided, single submitter. Criteria: Invitae Variant Classification Sherloc (09022015). Collection method: clinical testing. Allele origin: germline.
Comment: This sequence change replaces serine, which is neutral and polar, with isoleucine, which is neutral and non-polar, at codon 5415 of the SYNE2 protein (p.Ser5415Ile). This variant is present in population databases (rs377399289, gnomAD 0.005%). This variant has not been reported in the literature in individuals affected with SYNE2-related conditions. ClinVar contains an entry for this variant (Variation ID: 970570). An algorithm developed to predict the effect of missense changes on protein structure and function (PolyPhen-2) suggests that this variant is likely to be disruptive. In summary, the available evidence is currently insufficient to determine the role of this variant in disease. Therefore, it has been classified as a Variant of Uncertain Significance.

Ambry Genetics
Classification: Uncertain significance. Last evaluated: 2021-09-16. Review status: criteria provided, single submitter. Criteria: Ambry Variant Classification Scheme 2023. Collection method: clinical testing. Allele origin: germline.

NM_182914.3(SYNE2):c.16244G>T (p.Ser5415Ile)

Gene: SYNE2 (spectrin repeat containing nuclear envelope protein 2; plus strand). Cytogenetic location: 14q23.2.
Variant type: single nucleotide variant.
Coding change: c.16244G>T on transcript NM_182914.3 (MANE Select); coding-DNA position 16244, G replaced by T.
Protein change: p.Ser5415Ile; replaces serine 5415 with isoleucine.
Molecular consequence: missense variant.
Genome position (GRCh38, 1-based): chr14:64,162,221, G>T. VCF-style: chr14-64162221-G-T. GRCh37 (hg19) VCF-style: chr14-64628939-G-T.
Other names: c.16244G>T, p.Ser5415Ile (NM_015180.6); short protein forms S5415I.
Identifiers: ClinVar variation 970570 (VCV000970570.11), dbSNP rs377399289, ClinGen allele CA7223312.